The following is an entry in ClinVar:

ClinVar aggregate classification (germline): Uncertain significance (1 of 4 stars; one submission).

Conditions:
Perlman syndrome (PRLMNS). Identifiers: Orphanet 2849, MedGen C0796113, MONDO:0009965, OMIM 267000.

Allele frequency attached by ClinVar (database versions not stated): gnomAD exomes below 0.00001; TOPMed below 0.00001.
gnomAD v4.1: 1 of 1,612,450 alleles (0.000062%); highest among the groups gnomAD compares: Non-Finnish European, 0.000085%; no homozygotes.

Submission:

Labcorp Genetics (formerly Invitae), Labcorp
Classification: Uncertain significance for Perlman syndrome. Last evaluated: 2022-10-13. Review status: criteria provided, single submitter. Criteria: Invitae Variant Classification Sherloc (09022015). Collection method: clinical testing. Allele origin: germline.
Comment: This variant has not been reported in the literature in individuals affected with DIS3L2-related conditions. In summary, the available evidence is currently insufficient to determine the role of this variant in disease. Therefore, it has been classified as a Variant of Uncertain Significance. Algorithms developed to predict the effect of missense changes on protein structure and function are either unavailable or do not agree on the potential impact of this missense change (SIFT: "Tolerated"; PolyPhen-2: "Probably Damaging"; Align-GVGD: "Class C0"). ClinVar contains an entry for this variant (Variation ID: 1506793). This variant is not present in population databases (gnomAD no frequency). This sequence change replaces glycine, which is neutral and non-polar, with glutamic acid, which is acidic and polar, at codon 678 of the DIS3L2 protein (p.Gly678Glu).

NM_152383.5(DIS3L2):c.2033G>A (p.Gly678Glu)

Gene: DIS3L2 (DIS3 like 3'-5' exoribonuclease 2; plus strand). Cytogenetic location: 2q37.1.
Variant type: single nucleotide variant.
Coding change: c.2033G>A on transcript NM_152383.5 (MANE Select); coding-DNA position 2033, G replaced by A.
Protein change: p.Gly678Glu; replaces glycine 678 with glutamic acid.
Molecular consequence: missense variant. On other transcripts: non-coding transcript variant (2), intron variant (1).
Genome position (GRCh38, 1-based): chr2:232,333,862, G>A. VCF-style: chr2-232333862-G-A. GRCh37 (hg19) VCF-style: chr2-233198572-G-A.
Other names: c.1582-9483G>A (NM_001257281.2); short protein forms G678E.
Identifiers: ClinVar variation 1506793 (VCV001506793.6), dbSNP rs1231244120, ClinGen allele CA350977339.